The following is an entry in ClinVar:

ClinVar aggregate classification (germline): Uncertain significance (1 of 4 stars; one submission).

Conditions:
Hereditary cancer-predisposing syndrome. Also called: Neoplastic Syndromes, Hereditary; Tumor predisposition; Hereditary neoplastic syndrome; Hereditary Cancer Syndrome. Identifiers: Orphanet 140162, MedGen C0027672, MeSH D009386, MONDO:0015356.

Submission:

Ambry Genetics
Classification: Uncertain significance for Hereditary cancer-predisposing syndrome. Last evaluated: 2023-11-16. Review status: criteria provided, single submitter. Criteria: Ambry Variant Classification Scheme 2023. Collection method: clinical testing. Allele origin: germline.
Comment: The p.E719G variant (also known as c.2156A>G), located in coding exon 8 of the MET gene, results from an A to G substitution at nucleotide position 2156. The glutamic acid at codon 719 is replaced by glycine, an amino acid with similar properties. This amino acid position is conserved. In addition, this alteration is predicted to be tolerated by in silico analysis. Since supporting evidence is limited at this time, the clinical significance of this alteration remains unclear.

NM_000245.4(MET):c.2156A>G (p.Glu719Gly)

Gene: MET (MET proto-oncogene, receptor tyrosine kinase; plus strand). Cytogenetic location: 7q31.2.
Variant type: single nucleotide variant.
Coding change: c.2156A>G on transcript NM_000245.4 (MANE Select); coding-DNA position 2156, A replaced by G.
Protein change: p.Glu719Gly; replaces glutamic acid 719 with glycine.
Molecular consequence: missense variant.
Genome position (GRCh38, 1-based): chr7:116,758,512, A>G. VCF-style: chr7-116758512-A-G. GRCh37 (hg19) VCF-style: chr7-116398566-A-G.
Other names: c.2156A>G, p.Glu719Gly (NM_001127500.3, NM_001324401.3); c.866A>G, p.Glu289Gly (NM_001324402.2); short protein forms E289G, E719G.
Identifiers: ClinVar variation 3232927 (VCV003232927.1), dbSNP rs2116930956, ClinGen allele CA368980562.